The following is an entry in ClinVar:

NM_182972.3(IRF2BP2):c.1460C>T (p.Pro487Leu)

Gene: IRF2BP2 (interferon regulatory factor 2 binding protein 2; minus strand). Cytogenetic location: 1q42.3.
Variant type: single nucleotide variant.
Coding change: c.1460C>T on transcript NM_182972.3 (MANE Select); coding-DNA position 1460, C replaced by T.
Protein change: p.Pro487Leu; replaces proline 487 with leucine.
Molecular consequence: missense variant.
Genome position (GRCh38, 1-based): chr1:234,607,441, G>A on the plus strand (C>T on the coding strand, the complement: IRF2BP2 is on the minus strand). VCF-style: chr1-234607441-G-A. GRCh37 (hg19) VCF-style: chr1-234743187-G-A.
Other names: c.1460C>T (NM_182972.2); c.1412C>T, p.Pro471Leu (NM_001077397.1); short protein forms P487L, P471L.
Identifiers: ClinVar variation 1382499 (VCV001382499.7), dbSNP rs1672193932, ClinGen allele CA345305594.

ClinVar aggregate classification (germline): Uncertain significance. Review status: criteria provided, single submitter (1 of 4 stars). 2 submissions from 2 submitters: Uncertain significance (1). 1 of the submissions does not count toward it. Last evaluated 2022-06-20.

Conditions:
IRF2BP2-related disorder. Also called: IRF2BP2-related condition.

Allele frequency attached by ClinVar (database versions not stated): TOPMed below 0.00001.

Submissions (2):

Labcorp Genetics (formerly Invitae), Labcorp
Classification: Uncertain significance. Last evaluated: 2022-06-20. Review status: criteria provided, single submitter. Criteria: Invitae Variant Classification Sherloc (09022015). Collection method: clinical testing. Allele origin: germline.
Comment: Algorithms developed to predict the effect of missense changes on protein structure and function (SIFT, PolyPhen-2, Align-GVGD) all suggest that this variant is likely to be tolerated. In summary, the available evidence is currently insufficient to determine the role of this variant in disease. Therefore, it has been classified as a Variant of Uncertain Significance. This sequence change replaces proline, which is neutral and non-polar, with leucine, which is neutral and non-polar, at codon 487 of the IRF2BP2 protein (p.Pro487Leu). This variant is not present in population databases (gnomAD no frequency). This variant has not been reported in the literature in individuals affected with IRF2BP2-related conditions.

PreventionGenetics, part of Exact Sciences
Classification: Uncertain significance for IRF2BP2-related condition. Last evaluated: 2024-04-12. Review status: no assertion criteria provided. Collection method: clinical testing. Allele origin: germline. Not counted in ClinVar's aggregate classification.
Comment: The IRF2BP2 c.1460C>T variant is predicted to result in the amino acid substitution p.Pro487Leu. To our knowledge, this variant has not been reported in the literature or in a large population database, indicating this variant is rare. At this time, the clinical significance of this variant is uncertain due to the absence of conclusive functional and genetic evidence.